The following is an entry in ClinVar:

NM_001723.7(DST):c.6184C>T (p.Leu2062Phe)

Gene: DST (dystonin; minus strand). Cytogenetic location: 6p12.1.
Variant type: single nucleotide variant.
Coding change: c.6184C>T on transcript NM_001723.7 (MANE Plus Clinical); coding-DNA position 6184, C replaced by T.
Protein change: p.Leu2062Phe; replaces leucine 2062 with phenylalanine.
Molecular consequence: missense variant. On other transcripts: intron variant (10).
Genome position (GRCh38, 1-based): chr6:56,617,283, G>A on the plus strand (C>T on the coding strand, the complement: DST is on the minus strand). VCF-style: chr6-56617283-G-A. GRCh37 (hg19) VCF-style: chr6-56482081-G-A.
Other names: c.4831-2799C>T (NM_001144769.5); c.4930-2799C>T (NM_001374722.1, NM_001374736.1); c.4957-2799C>T (NM_001374734.1); c.4417-2799C>T (NM_001144770.2); c.4297-2799C>T (NM_001374730.1, NM_001386100.1, NM_183380.4 and 1 more transcripts); c.3319-2799C>T (NM_015548.5); short protein forms L2062F.
Identifiers: ClinVar variation 854689 (VCV000854689.10), dbSNP rs2098637091, ClinGen allele CA364565691.
Genomic context (GRCh38, chr6:56,617,283, plus strand): 5'-CTGAACATGCATGATCACCATCAAAGTTCTGGAAGGTCTCTGGTTCTAAGCCCTTCTTAA[G>A]GAAATCCCCTTTCTTGAGTCCACCAGATGCTCTGCACCCTTCAAGCATCCATTCTTCAGC-3'
Protein context (NP_001714.1, residues 2052-2072): ASGGLKKGDF[Leu2062Phe]KKGLEPETFQ

ClinVar aggregate classification (germline): Uncertain significance (1 of 4 stars; one submission).

Conditions:
Hereditary sensory and autonomic neuropathy type 6. Also called: HSAN VI; Neuropathy, hereditary sensory and autonomic, type VI. Identifiers: Orphanet 314381, MedGen C3539003, MONDO:0013839, OMIM 614653.
Epidermolysis bullosa simplex 3, localized or generalized intermediate, with BP230 deficiency (EBS3). Also called: Epidermolysis bullosa simplex due to BP230 deficiency; Epidermolysis bullosa simplex, autosomal recessive 2. Identifiers: Orphanet 412181, MedGen C3809470, MONDO:0014180, OMIM 615425.

Submission:

Labcorp Genetics (formerly Invitae), Labcorp
Classification: Uncertain significance for Epidermolysis bullosa simplex 3, localized or generalized intermediate, with BP230 deficiency; Hereditary sensory and autonomic neuropathy type 6. Last evaluated: 2022-02-17. Review status: criteria provided, single submitter. Criteria: Invitae Variant Classification Sherloc (09022015). Collection method: clinical testing. Allele origin: germline.
Comment: In summary, the available evidence is currently insufficient to determine the role of this variant in disease. Therefore, it has been classified as a Variant of Uncertain Significance. This sequence change replaces leucine, which is neutral and non-polar, with phenylalanine, which is neutral and non-polar, at codon 2062 of the DST protein (p.Leu2062Phe). This variant is not present in population databases (gnomAD no frequency). This variant has not been reported in the literature in individuals affected with DST-related conditions. ClinVar contains an entry for this variant (Variation ID: 854689). Algorithms developed to predict the effect of missense changes on protein structure and function are either unavailable or do not agree on the potential impact of this missense change (SIFT: "Deleterious"; PolyPhen-2: "Benign"; Align-GVGD: "Class C0").